The following is an entry in ClinVar:

ClinVar aggregate classification (germline): Pathogenic. Review status: criteria provided, multiple submitters, no conflicts (2 of 4 stars). 3 submissions from 3 submitters: Pathogenic (3). Last evaluated 2026-07-01.

Conditions:
Glycogen storage disease, type II (IOPD). Also called: CARDIOMEGALIA GLYCOGENICA DIFFUSA; GLYCOGENOSIS, GENERALIZED, CARDIAC FORM; GSD II; Glycogen storage disease type 2; Acid maltase deficiency disease; Aglucosidase alfa. Identifiers: Orphanet 365, MedGen C0017921, MONDO:0009290, OMIM 232300.

Submissions (3):

Genomenon, Inc
Classification: Pathogenic for Glycogen storage disease, type II. Last evaluated: 2026-07-01. Review status: criteria provided, single submitter. Criteria: Genomenon Sequence Variant Interpretation Standards - Updated. Collection method: curation. Allele origin: germline. Affected: yes.
Comment: GAA p.Gln433AspfsTer66 (c.1293_1312del) is a frameshift variant that is predicted to introduce a premature termination codon and result in a truncated or absent protein product. This variant has been observed in at least one proband with a GAA-related disorder (PMID:27905573;31899940). It is absent or not present at a significant frequency in gnomAD. In conclusion, we classify GAA p.Gln433AspfsTer66 (c.1293_1312del) as a pathogenic variant.

Myriad Genetics, Inc.
Classification: Pathogenic for Glycogen storage disease, type II. Last evaluated: 2025-03-11. Review status: criteria provided, single submitter. Criteria: Myriad Autosomal Dominant, Autosomal Recessive and X-Linked Classification Criteria (2023). Collection method: clinical testing. Allele origin: unknown.
Comment: NM_000152.3(GAA):c.1293_1312del20(Q433Dfs*66) is a frameshift variant classified as pathogenic in the context of Pompe disease. Q433Dfs*66 has been observed in cases with relevant disease (PMID: 22252923, 22644586, 29122469). Relevant functional assessments of this variant are not available in the literature. Q433Dfs*66 has not been observed in referenced population frequency databases. In summary, NM_000152.3(GAA):c.1293_1312del20(Q433Dfs*66) is a frameshift variant in a gene where loss of function is a known mechanism of disease, is predicted to disrupt protein function, and has been observed more frequently in cases with the relevant disease than in healthy populations. Please note: this variant was assessed in the context of healthy population screening.

Labcorp Genetics (formerly Invitae), Labcorp
Classification: Pathogenic for Glycogen storage disease, type II. Last evaluated: 2023-09-20. Review status: criteria provided, single submitter. Criteria: Invitae Variant Classification Sherloc (09022015). Collection method: clinical testing. Allele origin: germline.
Comment: This variant is not present in population databases (gnomAD no frequency). This premature translational stop signal has been observed in individual(s) with Pompe disease (PMID: 31086307). For these reasons, this variant has been classified as Pathogenic. This sequence change creates a premature translational stop signal (p.Gln433Aspfs*66) in the GAA gene. It is expected to result in an absent or disrupted protein product. Loss-of-function variants in GAA are known to be pathogenic (PMID: 18425781, 22252923).

Literature cited by the submitters: PubMed 27905573 (cited by Genomenon, Inc); PubMed 31899940 (cited by Genomenon, Inc); PubMed 22252923 (cited by Myriad Genetics, Inc. and Labcorp Genetics (formerly Invitae), Labcorp); PubMed 22644586 (cited by Myriad Genetics, Inc.); PubMed 29122469 (cited by Myriad Genetics, Inc.); PubMed 31086307 (cited by Labcorp Genetics (formerly Invitae), Labcorp); PubMed 18425781 (cited by Labcorp Genetics (formerly Invitae), Labcorp).

NM_000152.5(GAA):c.1293_1312del (p.Gln433fs)

Gene: GAA (alpha glucosidase; plus strand). Cytogenetic location: 17q25.3.
Variant type: Deletion.
Coding change: c.1293_1312del on transcript NM_000152.5 (MANE Select); coding-DNA positions 1293 to 1312, 20 bases deleted (GCACCAGGGCGGCCGGCGCT).
Protein change: p.Gln433fs; shifts the reading frame from glutamine 433.
Molecular consequence: frameshift variant.
Genome position (GRCh38, 1-based): chr17:80,108,795-80,108,814, GCACCAGGGCGGCCGGCGCT deleted; deleting any 20 consecutive bases within chr17:80,108,792-80,108,814 gives the same sequence; the c. name uses the placement nearest the transcript's 3' end. VCF-style (leftmost placement, unchanged base first): chr17-80108791-AGCTGCACCAGGGCGGCCGGC-A. GRCh37 (hg19) VCF-style: chr17-78082590-AGCTGCACCAGGGCGGCCGGC-A.
Other names: c.1293_1312del, p.Gln433fs (NM_001079803.3, NM_001079804.3, NM_001406741.1 and 1 more transcripts); short protein forms Q433fs.
Identifiers: ClinVar variation 2736674 (VCV002736674.5), dbSNP rs2510365079, ClinGen allele CA658795249.